The following is an entry in ClinVar:

NM_001122764.3(PPOX):c.1091_1092delinsAG (p.Arg364Lys)

Gene: PPOX (protoporphyrinogen oxidase; plus strand). Cytogenetic location: 1q23.3.
Variant type: Indel.
Coding change: c.1091_1092delinsAG on transcript NM_001122764.3 (MANE Select); coding-DNA positions 1091 to 1092, GA replaced by AG.
Protein change: p.Arg364Lys; replaces arginine 364 with lysine.
Molecular consequence: missense variant. On other transcripts: intron variant (1).
Genome position (GRCh38, 1-based): chr1:161,170,512-161,170,513, GA replaced by AG. VCF-style: chr1-161170512-GA-AG. GRCh37 (hg19) VCF-style: chr1-161140302-GA-AG.
Other names: c.1091_1092delinsAG, p.Arg364Lys (NM_000309.5, NM_001365398.1); c.992_993delinsAG, p.Arg331Lys (NM_001350128.2); c.683_684delinsAG, p.Arg228Lys (NM_001350129.2, NM_001365400.1); c.605_606delinsAG, p.Arg202Lys (NM_001350130.2, NM_001350131.2, NM_001365401.1); c.988-108_988-107delinsAG (NM_001365399.1); short protein forms R331K, R228K, R364K, R202K.
Identifiers: ClinVar variation 964046 (VCV000964046.8), dbSNP rs1660932843, ClinGen allele CA1139656390.

ClinVar aggregate classification (germline): Uncertain significance (1 of 4 stars; one submission).

Submission:

Labcorp Genetics (formerly Invitae), Labcorp
Classification: Uncertain significance. Last evaluated: 2019-08-17. Review status: criteria provided, single submitter. Criteria: Invitae Variant Classification Sherloc (09022015). Collection method: clinical testing. Allele origin: germline.
Comment: In summary, the available evidence is currently insufficient to determine the role of this variant in disease. Therefore, it has been classified as a Variant of Uncertain Significance. Algorithms developed to predict the effect of sequence changes on RNA splicing suggest that this variant may create or strengthen a splice site, but this prediction has not been confirmed by published transcriptional studies. Algorithms developed to predict the effect of missense changes on protein structure and function are either unavailable or do not agree on the potential impact of this missense change (SIFT: "Tolerated"; PolyPhen-2: "Probably Damaging"; Align-GVGD: "Class C0"). This variant has not been reported in the literature in individuals with PPOX-related conditions. This variant is not present in population databases (ExAC no frequency). This sequence change replaces arginine with lysine at codon 364 of the PPOX protein (p.Arg364Lys). The arginine residue is moderately conserved and there is a small physicochemical difference between arginine and lysine.